The following is an entry in ClinVar:

NM_001184.4(ATR):c.5987T>G (p.Met1996Arg)

Gene: ATR (ATR checkpoint kinase; minus strand). Cytogenetic location: 3q23.
Variant type: single nucleotide variant.
Coding change: c.5987T>G on transcript NM_001184.4 (MANE Select); coding-DNA position 5987, T replaced by G.
Protein change: p.Met1996Arg; replaces methionine 1996 with arginine.
Molecular consequence: missense variant.
Genome position (GRCh38, 1-based): chr3:142,493,223, A>C on the plus strand (T>G on the coding strand, the complement: ATR is on the minus strand). VCF-style: chr3-142493223-A-C. GRCh37 (hg19) VCF-style: chr3-142212065-A-C.
Other names: c.5795T>G, p.Met1932Arg (NM_001354579.2); short protein forms M1932R, M1996R.
Identifiers: ClinVar variation 2496614 (VCV002496614.2), dbSNP rs150339560, ClinGen allele CA354811552.

ClinVar aggregate classification (germline): Uncertain significance (1 of 4 stars; one submission).

Conditions:
Inborn genetic diseases. Identifiers: MedGen C0950123, MeSH D030342.

Submission:

Ambry Genetics
Classification: Uncertain significance for Inborn genetic diseases. Last evaluated: 2023-03-06. Review status: criteria provided, single submitter. Criteria: Ambry Variant Classification Scheme 2023. Collection method: clinical testing. Allele origin: germline.
Comment: The p.M1996R variant (also known as c.5987T>G), located in coding exon 35 of the ATR gene, results from a T to G substitution at nucleotide position 5987. The methionine at codon 1996 is replaced by arginine, an amino acid with similar properties. This amino acid position is conserved. In addition, this alteration is predicted to be tolerated by in silico analysis. Since supporting evidence is limited at this time, the clinical significance of this alteration remains unclear.